The following is an entry in ClinVar:

NM_003482.4(KMT2D):c.8649T>G (p.Asn2883Lys)

Gene: KMT2D (lysine methyltransferase 2D; minus strand). Cytogenetic location: 12q13.12.
Variant type: single nucleotide variant.
Coding change: c.8649T>G on transcript NM_003482.4 (MANE Select); coding-DNA position 8649, T replaced by G.
Protein change: p.Asn2883Lys; replaces asparagine 2883 with lysine.
Molecular consequence: missense variant.
Genome position (GRCh38, 1-based): chr12:49,038,707, A>C on the plus strand (T>G on the coding strand, the complement: KMT2D is on the minus strand). VCF-style: chr12-49038707-A-C. GRCh37 (hg19) VCF-style: chr12-49432490-A-C.
Other names: short protein forms N2883K.
Identifiers: ClinVar variation 2709198 (VCV002709198.3), dbSNP rs1592131737, ClinGen allele CA384741372.
Genomic context (GRCh38, chr12:49,038,707, plus strand): 5'-TCTCTGAGGTGGGCCCTGACCAGGAAACGGAGTGCCCCCAGGTCCCAGTCCTTTCTGTAC[A>C]TTGTGCCGCAGCTCAATGAACTGGGCAGGACCAGCTGGACCAGGCACTGGCTCACCAGGG-3'
Protein context (NP_003473.3, residues 2873-2893): GPAQFIELRH[Asn2883Lys]VQKGLGPGGT

ClinVar aggregate classification (germline): Uncertain significance (1 of 4 stars; one submission).

Conditions:
Kabuki syndrome. Also called: Kabuki make-up syndrome; NIIKAWA-KUROKI SYNDROME. Identifiers: Orphanet 2322, MedGen C0796004, MONDO:0016512.

gnomAD v4.1: 4 of 1,610,926 alleles (0.00025%); highest among the groups gnomAD compares: Non-Finnish European, 0.00034%; no homozygotes.

Submission:

Labcorp Genetics (formerly Invitae), Labcorp
Classification: Uncertain significance for Kabuki syndrome. Last evaluated: 2024-01-12. Review status: criteria provided, single submitter. Criteria: Invitae Variant Classification Sherloc (09022015). Collection method: clinical testing. Allele origin: germline.
Comment: This sequence change replaces asparagine, which is neutral and polar, with lysine, which is basic and polar, at codon 2883 of the KMT2D protein (p.Asn2883Lys). This variant is not present in population databases (gnomAD no frequency). This variant has not been reported in the literature in individuals affected with KMT2D-related conditions. Advanced modeling of protein sequence and biophysical properties (such as structural, functional, and spatial information, amino acid conservation, physicochemical variation, residue mobility, and thermodynamic stability) performed at Invitae indicates that this missense variant is not expected to disrupt KMT2D protein function with a negative predictive value of 95%. Algorithms developed to predict the effect of sequence changes on RNA splicing suggest that this variant may create or strengthen a splice site. In summary, the available evidence is currently insufficient to determine the role of this variant in disease. Therefore, it has been classified as a Variant of Uncertain Significance.